The following is an entry in ClinVar:

NM_001142800.2(EYS):c.7572G>A (p.Trp2524Ter)

Gene: EYS (EGF-like photoreceptor maintenance factor; minus strand). Cytogenetic location: 6q12.
Variant type: single nucleotide variant.
Coding change: c.7572G>A on transcript NM_001142800.2 (MANE Select); coding-DNA position 7572, G replaced by A.
Protein change: p.Trp2524Ter; replaces tryptophan 2524 with a stop codon.
Molecular consequence: nonsense.
Genome position (GRCh38, 1-based): chr6:63,789,064, C>T on the plus strand (G>A on the coding strand, the complement: EYS is on the minus strand). VCF-style: chr6-63789064-C-T. GRCh37 (hg19) VCF-style: chr6-64498957-C-T.
Other names: c.7572G>A (NM_001142800.1); c.7572G>A, p.Trp2524Ter (NM_001292009.2); short protein forms W2524*.
Identifiers: ClinVar variation 802232 (VCV000802232.8), dbSNP rs902462590, ClinGen allele CA140244030.

ClinVar aggregate classification (germline): Pathogenic/Likely pathogenic. Review status: criteria provided, multiple submitters, no conflicts (2 of 4 stars). 4 submissions from 4 submitters: Pathogenic (3); Likely pathogenic (1). Last evaluated 2026-08-06.

Conditions:
Retinitis pigmentosa 25 (RP25). Identifiers: Orphanet 791, MedGen C1864446, MONDO:0011272, OMIM 602772.

Allele frequency attached by ClinVar (database versions not stated): gnomAD exomes below 0.00001.
gnomAD v4.1: 1 of 1,551,358 alleles (0.000064%); highest among the groups gnomAD compares: Non-Finnish European, 0.000087%; no homozygotes.

Submissions (4):

Myriad Genetics, Inc.
Classification: Pathogenic for Retinitis pigmentosa 25. Last evaluated: 2026-08-06. Review status: criteria provided, single submitter. Criteria: Myriad Autosomal Dominant, Autosomal Recessive and X-Linked Classification Criteria (2023). Collection method: clinical testing. Allele origin: unknown.
Comment: NM_001142800.1(EYS):c.7572G>A(W2524*) is a nonsense variant classified as pathogenic in the context of retinitis pigmentosa, EYS-related. W2524* has been observed in cases with relevant disease (PMID: 39607159). Relevant functional assessments of this variant are not available in the literature. W2524* has not been observed in referenced population frequency databases. In summary, NM_001142800.1(EYS):c.7572G>A(W2524*) is a nonsense variant in a gene where loss of function is a known mechanism of disease and is predicted to disrupt protein function. Please note: this variant was assessed in the context of healthy population screening.

Natera, Inc.
Classification: Likely pathogenic for Retinitis pigmentosa type 25. Last evaluated: 2025-10-01. Review status: criteria provided, single submitter. Criteria: Natera Variant Classification Schema (03/2026). Collection method: clinical testing. Allele origin: germline.
Comment: The c.7572G>A variant in EYS is a nonsense variant predicted to introduce a stop codon at amino acid 2524. This variant is expected to result in nonsense mediated decay, truncation, or a dysfunctional protein product. This variant is rare in the general population with a frequency below the threshold expected for the associated phenotype(s). Given the available evidence, this variant is classified as Likely Pathogenic.

Labcorp Genetics (formerly Invitae), Labcorp
Classification: Pathogenic. Last evaluated: 2024-12-02. Review status: criteria provided, single submitter. Criteria: Invitae Variant Classification Sherloc (09022015). Collection method: clinical testing. Allele origin: germline.
Comment: This sequence change creates a premature translational stop signal (p.Trp2524*) in the EYS gene. It is expected to result in an absent or disrupted protein product. Loss-of-function variants in EYS are known to be pathogenic (PMID: 18836446, 20333770). This variant is not present in population databases (gnomAD no frequency). This variant has not been reported in the literature in individuals affected with EYS-related conditions. ClinVar contains an entry for this variant (Variation ID: 802232). For these reasons, this variant has been classified as Pathogenic.

Mendelics
Classification: Pathogenic for Retinitis pigmentosa 25. Last evaluated: 2019-05-28. Review status: criteria provided, single submitter. Criteria: Mendelics Assertion Criteria 2017. Collection method: clinical testing. Allele origin: unknown.

Literature cited by the submitters: PubMed 39607159 (cited by Myriad Genetics, Inc.); PubMed 18836446 (cited by Labcorp Genetics (formerly Invitae), Labcorp); PubMed 20333770 (cited by Labcorp Genetics (formerly Invitae), Labcorp).